The following is an entry in ClinVar:

NM_017780.4(CHD7):c.1565G>T (p.Gly522Val)

Gene: CHD7 (chromodomain helicase DNA binding protein 7; plus strand). Cytogenetic location: 8q12.2.
Variant type: single nucleotide variant.
Coding change: c.1565G>T on transcript NM_017780.4 (MANE Select); coding-DNA position 1565, G replaced by T.
Protein change: p.Gly522Val; replaces glycine 522 with valine.
Molecular consequence: missense variant.
Genome position (GRCh38, 1-based): chr8:60,742,997, G>T. VCF-style: chr8-60742997-G-T. GRCh37 (hg19) VCF-style: chr8-61655556-G-T.
Other names: c.1565G>T (LRG_176t1); c.1565G>T, p.Gly522Val (NM_001316690.1); short protein forms G522V.
Identifiers: ClinVar variation 241189 (VCV000241189.46), dbSNP rs142962579, ClinGen allele CA4759516.

ClinVar aggregate classification (germline): Benign/Likely benign. Review status: criteria provided, multiple submitters, no conflicts (2 of 4 stars). 13 submissions from 13 submitters: Benign (11); Likely benign (2). Last evaluated 2026-07-01.

Conditions:
CHARGE syndrome (CHARGE). Also called: Hittner Hirsch Kreh syndrome; Coloboma, heart anomaly, choanal atresia, retardation, genital and ear anomalies; CHARGE association; Hall-Hittner syndrome; CHARGE ASSOCIATION--COLOBOMA, HEART ANOMALY, CHOANAL ATRESIA, RETARDATION, GENITAL AND EAR ANOMALIES. Identifiers: Orphanet 138, MedGen C0265354, MONDO:0008965.
Hypogonadotropic hypogonadism 5 with or without anosmia (KAL5). Also called: CHD7-Related GnRH Deficiency (Kallmann Syndrome 5); HYPOGONADOTROPIC HYPOGONADISM 5 WITH ANOSMIA; HYPOGONADOTROPHIC HYPOGONADISM 5 WITHOUT ANOSMIA. Identifiers: Orphanet 478, MedGen C3552553, MONDO:0012880, OMIM 612370. Disease mechanism: loss of function.
Inborn genetic diseases. Identifiers: MedGen C0950123, MeSH D030342.
Premature ovarian insufficiency (POF). Also called: Premature ovarian failure. Identifiers: MedGen C4303540, HP:0008209.

Allele frequency attached by ClinVar (database versions not stated): 1000 Genomes Project 0.00619; gnomAD 0.00119 and 0.00101; TOPMed 0.00152; ExAC 0.00232; gnomAD exomes 0.00267; 1000 Genomes Project 30x 0.00687.
gnomAD v4.1: 1,233 of 1,613,694 alleles (0.076%); highest among the groups gnomAD compares: East Asian, 2%; 31 homozygotes.

Submissions (13):

CeGaT Center for Human Genetics Tuebingen
Classification: Benign. Last evaluated: 2026-07-01. Review status: criteria provided, single submitter. Criteria: CeGaT Center For Human Genetics Tuebingen Variant Classification Criteria Version 2. Collection method: clinical testing. Allele origin: germline. Affected: yes. Observed: 5 variant alleles.
Comment: CHD7: BS1, BS2

Labcorp Genetics (formerly Invitae), Labcorp
Classification: Benign for CHARGE syndrome. Last evaluated: 2026-01-26. Review status: criteria provided, single submitter. Criteria: Invitae Variant Classification Sherloc (09022015). Collection method: clinical testing. Allele origin: germline.

Blueprint Genetics
Classification: Benign. Last evaluated: 2024-10-30. Review status: criteria provided, single submitter. Criteria: ACMG Guidelines, 2015. Collection method: clinical testing. Allele origin: germline.

Women's Health and Genetics/Laboratory Corporation of America, LabCorp
Classification: Likely benign. Last evaluated: 2023-04-09. Review status: criteria provided, single submitter. Criteria: LabCorp Variant Classification Summary - May 2015. Collection method: clinical testing. Allele origin: germline.

Lupski Lab, Baylor-Hopkins CMG, Baylor College of Medicine
Classification: Benign for Primary Ovarian Insufficiency. Last evaluated: 2019-04-22. Review status: criteria provided, single submitter. Criteria: Jolly et al. (J Clin Endocrinol Metab. 2019). Collection method: research. Allele origin: inherited, unknown. Inheritance: Autosomal recessive inheritance. Affected: yes and no. Observed: 2 variant alleles, 1 heterozygote, 1 homozygote.

Laboratory for Molecular Medicine, Mass General Brigham Personalized Medicine
Classification: Benign. Last evaluated: 2017-08-23. Review status: criteria provided, single submitter. Criteria: LMM Criteria. Collection method: clinical testing. Allele origin: germline. Observed: 1 variant allele.
Comment: p.Gly522Val in exon 2 of CHD7: This variant is not expected to have clinical sig nificance because it has been identified in 3.10% (265/8554) of East Asian chrom osomes by the Exome Aggregation Consortium (ExAC ; dbSNP rs142962579).

Ambry Genetics
Classification: Benign for Inborn genetic diseases. Last evaluated: 2017-05-02. Review status: criteria provided, single submitter. Criteria: Ambry Variant Classification Scheme 2023. Collection method: clinical testing. Allele origin: germline.

Illumina Laboratory Services, Illumina
Classification: Likely benign for Kallmann Syndrome 5. Last evaluated: 2017-04-27. Review status: criteria provided, single submitter. Criteria: ICSL Variant Classification Criteria 13 December 2019. Collection method: clinical testing. Allele origin: germline.
Comment: This variant was observed as part of a predisposition screen in an ostensibly healthy population. A literature search was performed for the gene, cDNA change, and amino acid change (where applicable). No publications were found based on this search. Allele frequency data from public databases allowed determination this variant is unlikely to cause disease. Therefore, this variant is classified as likely benign.

Center for Human Genetics, Inc
Classification: Benign for CHARGE syndrome. Last evaluated: 2016-11-01. Review status: criteria provided, single submitter. Criteria: ACMG Guidelines, 2015. Collection method: clinical testing. Allele origin: germline. Affected: yes.

Genomic Diagnostic Laboratory, Division of Genomic Diagnostics, Children's Hospital of Philadelphia
Classification: Benign for CHARGE syndrome. Last evaluated: 2016-09-05. Review status: criteria provided, single submitter. Criteria: DGD Variant Analysis Guidelines. Collection method: clinical testing. Allele origin: germline. Affected: no. Observed: 4 variant alleles.
Comment: Clinical Testing

Eurofins Ntd Llc (ga)
Classification: Benign. Last evaluated: 2016-02-04. Review status: criteria provided, single submitter. Criteria: EGL Classification Definitions 2015. Collection method: clinical testing. Allele origin: germline. Observed: 2 variant alleles, 2 heterozygotes.

GeneDx
Classification: Benign. Last evaluated: 2015-03-03. Review status: criteria provided, single submitter. Criteria: GeneDx Variant Classification Process June 2021. Collection method: clinical testing. Allele origin: germline. Affected: yes.
Comment: This variant is associated with the following publications: (PMID: 31042289, 30653986, 29304373, 28209183)

PreventionGenetics, part of Exact Sciences
Classification: Benign. Review status: criteria provided, single submitter. Criteria: ACMG Guidelines, 2015. Collection method: clinical testing. Allele origin: germline.